The following is an entry in ClinVar:

ClinVar aggregate classification (germline): Uncertain significance (1 of 4 stars; one submission).

Allele frequency attached by ClinVar (database versions not stated): ExAC 0.00002; gnomAD exomes 0.00002; TOPMed 0.00002; gnomAD 0.00003.
gnomAD v4.1: 28 of 1,613,886 alleles (0.0017%); highest among the groups gnomAD compares: African/African-American, 0.004%; no homozygotes.

Submission:

GeneDx
Classification: Uncertain significance. Last evaluated: 2024-02-05. Review status: criteria provided, single submitter. Criteria: GeneDx Variant Classification Process June 2021. Collection method: clinical testing. Allele origin: germline. Affected: yes.
Comment: Reported in the published literature in an individual with partial agenesis of the corpus callosum, hypotonia, microcephaly, epilepsy, and autistic behavior who also harbored two other variants in the HERC2 gene, including R2129C (PMID: 31578829); In silico analysis supports that this missense variant has a deleterious effect on protein structure/function; This variant is associated with the following publications: (PMID: 31578829)

NM_004667.6(HERC2):c.10952G>A (p.Arg3651His)

Gene: HERC2 (HECT and RLD domain containing E3 ubiquitin protein ligase 2; minus strand). Cytogenetic location: 15q13.1.
Variant type: single nucleotide variant.
Coding change: c.10952G>A on transcript NM_004667.6 (MANE Select); coding-DNA position 10952, G replaced by A.
Protein change: p.Arg3651His; replaces arginine 3651 with histidine.
Molecular consequence: missense variant.
Genome position (GRCh38, 1-based): chr15:28,146,293, C>T on the plus strand (G>A on the coding strand, the complement: HERC2 is on the minus strand). VCF-style: chr15-28146293-C-T. GRCh37 (hg19) VCF-style: chr15-28391439-C-T.
Other names: short protein forms R3651H.
Identifiers: ClinVar variation 3252615 (VCV003252615.1), dbSNP rs757141755.
Genomic context (GRCh38, chr15:28,146,293, plus strand): 5'-TTACCTGACCGCACGGAGACGATCCTGTTGACGCCGTCCATGACTGTGAGAGGGTCGTGG[C>T]GCCTCTCTGTGGAGCACTGCCGGTCAAATTCTACCCTGAGTCCTTCTGCACCTGAAGGAC-3'
Protein context (NP_004658.3, residues 3641-3661): EFDRQCSTER[Arg3651His]HDPLTVMDGV